The following is an entry in ClinVar:

ClinVar aggregate classification (germline): Uncertain significance (1 of 4 stars; one submission).

Conditions:
Leigh syndrome (NULS). Also called: Leigh's necrotizing encephalopathy; Leigh's disease; Leigh Syndrome (mtDNA deletion); Leigh Disease; Subacute necrotizing encephalopathy; Necrotizing encephalopathy infantile subacute of Leigh. Identifiers: Orphanet 506, MedGen C2931891, MONDO:0009723, OMIM 256000.

Submission:

Wong Mito Lab, Molecular and Human Genetics, Baylor College of Medicine
Classification: Uncertain significance for Leigh syndrome. Last evaluated: 2019-10-17. Review status: criteria provided, single submitter. Criteria: Modified ACMG Guidelines (Unpublished). Collection method: clinical testing. Allele origin: germline.
Comment: The NC_012920.1:m.7926G>A (YP_003024029.1:p.Gly114Asp) variant in MTCO2 gene is interpretated to be a Uncertain Significance variant based on the modified ACMG guidelines (unpublished). This variant meets the following evidence codes: PP7

NC_012920.1(MT-CO2):m.7926G>A

Gene: MT-CO2 (mitochondrially encoded cytochrome c oxidase II; plus strand).
Variant type: single nucleotide variant.
Genome position: chrM-7926-G-A.
Identifiers: ClinVar variation 692798 (VCV000692798.1), dbSNP rs1603221217, ClinGen allele CA414794276.